The following is an entry in ClinVar:

NM_001904.4(CTNNB1):c.337C>T (p.Gln113Ter)

Genes: CTNNB1 (catenin beta 1; plus strand), LOC126806658 (BRD4-independent group 4 enhancer GRCh37_chr3:41265899-41267098; plus strand). Cytogenetic location: 3p22.1.
Variant type: single nucleotide variant.
Coding change: c.337C>T on transcript NM_001904.4 (MANE Select); coding-DNA position 337, C replaced by T.
Protein change: p.Gln113Ter; replaces glutamine 113 with a stop codon.
Molecular consequence: nonsense.
Genome position (GRCh38, 1-based): chr3:41,225,049, C>T. VCF-style: chr3-41225049-C-T. GRCh37 (hg19) VCF-style: chr3-41266540-C-T.
Other names: c.337C>T, p.Gln113Ter (NM_001098209.2, NM_001098210.2); c.316C>T, p.Gln106Ter (NM_001330729.2); short protein forms Q113*, Q106*.
Identifiers: ClinVar variation 451713 (VCV000451713.8), dbSNP rs1553630279, ClinGen allele CA352229068.

ClinVar aggregate classification (germline): Pathogenic. Review status: criteria provided, multiple submitters, no conflicts (2 of 4 stars). 2 submissions from 2 submitters: Pathogenic (2). Last evaluated 2024-07-07.

Conditions:
Severe intellectual disability-progressive spastic diplegia syndrome (NEDSDV). Also called: CTNNB1 Neurodevelopmental Disorder; NEURODEVELOPMENTAL DISORDER WITH SPASTIC DIPLEGIA AND VISUAL DEFECTS. Identifiers: Orphanet 404473, MedGen C3554449, MONDO:0014035, OMIM 615075.

Submissions (2):

GeneDx
Classification: Pathogenic. Last evaluated: 2024-07-07. Review status: criteria provided, single submitter. Criteria: GeneDx Variant Classification Process June 2021. Collection method: clinical testing. Allele origin: germline. Affected: yes.
Comment: Nonsense variant predicted to result in protein truncation or nonsense mediated decay in a gene for which loss of function is a known mechanism of disease; Not observed at significant frequency in large population cohorts (gnomAD); This variant is associated with the following publications: (PMID: 27915094, 24668549, 33057194, 35982159)

Geisinger Autism and Developmental Medicine Institute, Geisinger Health System
Classification: Pathogenic for Severe intellectual disability-progressive spastic diplegia syndrome. Last evaluated: 2017-10-05. Review status: criteria provided, single submitter. Criteria: ACMG Guidelines, 2015. Collection method: provider interpretation, clinical testing. Allele origin: de novo. Affected: yes. Observed: 1 variant allele.
Comment: The c.337C>T variant was found to be de novo (PS2); maternity and paternity were confirmed.. The variant is absent from the ExAC and gnomAD databases (PM2). The variant is also an expected null variant in a gene where loss of function is a known mechanism of disease (PVS1).

Literature cited by the submitters: PubMed 27915094 (cited by Geisinger Autism and Developmental Medicine Institute, Geisinger Health System); PubMed 24668549 (cited by Geisinger Autism and Developmental Medicine Institute, Geisinger Health System); PubMed 2614104 (cited by Geisinger Autism and Developmental Medicine Institute, Geisinger Health System).